The following is an entry in ClinVar:

ClinVar aggregate classification (germline): Uncertain significance. Review status: criteria provided, multiple submitters, no conflicts (2 of 4 stars). 2 submissions from 2 submitters: Uncertain significance (2). Last evaluated 2025-08-04.

Conditions:
Hereditary breast ovarian cancer syndrome. Also called: Hereditary breast and ovarian cancer syndrome; Hereditary breast and ovarian cancer; Hereditary breast and ovarian cancer syndrome (HBOC); Breast and ovarian cancer; Hereditary breast and/or ovarian cancer syndrome; BRCA1- and BRCA2-Associated Hereditary Breast and Ovarian Cancer. Identifiers: Orphanet 145, MedGen C0677776, MeSH D061325, MONDO:0003582. Disease mechanism: loss of function.
Hereditary cancer-predisposing syndrome. Also called: Tumor predisposition; Hereditary neoplastic syndrome; Neoplastic Syndromes, Hereditary; Hereditary Cancer Syndrome. Identifiers: Orphanet 140162, MedGen C0027672, MeSH D009386, MONDO:0015356.

Submissions (2):

Labcorp Genetics (formerly Invitae), Labcorp
Classification: Uncertain significance for Hereditary breast ovarian cancer syndrome. Last evaluated: 2025-08-04. Review status: criteria provided, single submitter. Criteria: Invitae Variant Classification Sherloc (09022015). Collection method: clinical testing. Allele origin: germline.
Comment: This sequence change replaces serine, which is neutral and polar, with phenylalanine, which is neutral and non-polar, at codon 1125 of the BRCA1 protein (p.Ser1125Phe). This variant is not present in population databases (gnomAD no frequency). This missense change has been observed in individual(s) with a personal and/or family history of breast cancer (PMID: 35980532). ClinVar contains an entry for this variant (Variation ID: 3992603). Invitae Evidence Modeling of protein sequence and biophysical properties (such as structural, functional, and spatial information, amino acid conservation, physicochemical variation, residue mobility, and thermodynamic stability) indicates that this missense variant is not expected to disrupt BRCA1 protein function with a negative predictive value of 80%. In summary, the available evidence is currently insufficient to determine the role of this variant in disease. Therefore, it has been classified as a Variant of Uncertain Significance.

Ambry Genetics
Classification: Uncertain significance for Hereditary cancer-predisposing syndrome. Last evaluated: 2025-04-25. Review status: criteria provided, single submitter. Criteria: Ambry Variant Classification Scheme 2023. Collection method: clinical testing. Allele origin: germline.
Comment: The p.S1125F variant (also known as c.3374C>T), located in coding exon 9 of the BRCA1 gene, results from a C to T substitution at nucleotide position 3374. The serine at codon 1125 is replaced by phenylalanine, an amino acid with highly dissimilar properties. This amino acid position is well conserved in available vertebrate species. In addition, the in silico prediction for this alteration is inconclusive. Based on the available evidence, the clinical significance of this variant remains unclear.

Literature cited by the submitters: PubMed 35980532 (cited by Labcorp Genetics (formerly Invitae), Labcorp and Ambry Genetics).

NM_007294.4(BRCA1):c.3374C>T (p.Ser1125Phe)

Genes: BRCA1 (BRCA1 DNA repair associated; minus strand), LOC126862571 (BRD4-independent group 4 enhancer GRCh37_chr17:41243136-41244335; plus strand). Cytogenetic location: 17q21.31.
Variant type: single nucleotide variant.
Coding change: c.3374C>T on transcript NM_007294.4 (MANE Select); coding-DNA position 3374, C replaced by T.
Protein change: p.Ser1125Phe; replaces serine 1125 with phenylalanine.
Molecular consequence: missense variant. On other transcripts: intron variant (137).
Genome position (GRCh38, 1-based): chr17:43,092,157, G>A on the plus strand (C>T on the coding strand, the complement: BRCA1 is on the minus strand). VCF-style: chr17-43092157-G-A. GRCh37 (hg19) VCF-style: chr17-41244174-G-A.
Other names: c.707-1125C>T (NM_001408416.1, NM_001408413.1); c.578-1125C>T (NM_001408484.1, NM_001408478.1, NM_001408481.1 and 9 more transcripts); c.3251C>T, p.Ser1084Phe (NM_001407919.1, NM_001407648.1, NM_001407664.1 and 19 more transcripts); c.3110C>T, p.Ser1037Phe (NM_001407920.1, NM_001407921.1, NM_001407924.1 and 9 more transcripts); c.662-1125C>T (NM_001408450.1, NM_001408434.1, NM_001408446.1 and 6 more transcripts); c.665-1125C>T (NM_001408440.1, NM_001408428.1, NM_001408436.1 and 12 more transcripts); c.671-1125C>T (NM_001408418.1, NM_001408423.1, NM_001408420.1 and 2 more transcripts); c.788-1125C>T (NM_001407981.1, NM_001407980.1, NM_001407993.1 and 17 more transcripts); and 41 more; short protein forms S1054F, S1055F, S1058F, S1077F, S1125F, S998F, S1057F, S1084F.
Identifiers: ClinVar variation 3992603 (VCV003992603.2).